The following is an entry in ClinVar:

ClinVar aggregate classification (germline): Likely benign. Review status: criteria provided, multiple submitters, no conflicts (2 of 4 stars). 2 submissions from 2 submitters: Likely benign (2). Last evaluated 2025-08-30.

Conditions:
Glycogen storage disease, type V (GSD5). Also called: McArdle type glycogen storage disease; MCARDLE DISEASE; MUSCLE GLYCOGEN PHOSPHORYLASE DEFICIENCY; MYOPHOSPHORYLASE DEFICIENCY; PYGM DEFICIENCY. Identifiers: Orphanet 368, MedGen C0017924, MONDO:0009293, OMIM 232600.

Allele frequency attached by ClinVar (database versions not stated): gnomAD exomes below 0.00001.
gnomAD v4.1: 2 of 1,613,928 alleles (0.00012%); highest among the groups gnomAD compares: Non-Finnish European, 0.00017%; no homozygotes.

Submissions (2):

Labcorp Genetics (formerly Invitae), Labcorp
Classification: Likely benign for Glycogen storage disease, type V. Last evaluated: 2025-08-30. Review status: criteria provided, single submitter. Criteria: Invitae Variant Classification Sherloc (09022015). Collection method: clinical testing. Allele origin: germline.

GeneDx
Classification: Likely benign. Last evaluated: 2018-04-25. Review status: criteria provided, single submitter. Criteria: GeneDx Variant Classification (06012015). Collection method: clinical testing. Allele origin: germline. Affected: yes.
Comment: This variant is considered likely benign or benign based on one or more of the following criteria: it is a conservative change, it occurs at a poorly conserved position in the protein, it is predicted to be benign by multiple in silico algorithms, and/or has population frequency not consistent with disease.

NM_005609.4(PYGM):c.849T>C (p.Asn283=)

Gene: PYGM (glycogen phosphorylase, muscle associated; minus strand). Cytogenetic location: 11q13.1.
Variant type: single nucleotide variant.
Coding change: c.849T>C on transcript NM_005609.4 (MANE Select); coding-DNA position 849, T replaced by C.
Protein change: p.Asn283=; no amino-acid change (asparagine 283 retained).
Molecular consequence: synonymous variant.
Genome position (GRCh38, 1-based): chr11:64,755,279, A>G on the plus strand (T>C on the coding strand, the complement: PYGM is on the minus strand). VCF-style: chr11-64755279-A-G. GRCh37 (hg19) VCF-style: chr11-64522751-A-G.
Other names: c.585T>C, p.Asn195= (NM_001164716.1).
Identifiers: ClinVar variation 682331 (VCV000682331.5), dbSNP rs1592413061, ClinGen allele CA474959406.
Genomic context (GRCh38, chr11:64,755,279, plus strand): 5'-ACCCCTGCTGCCAAGGACTCAGGCTTCCAGCCCCCAGCCCAGGGGGTGACGCACATTATC[A>G]TTGGGGTACAGGACACGAGAGATGTTCTCCGCCAGGTTTCGGTCCAACACAGCCTGGATG-3'
Protein context (NP_005600.1, residues 273-293): AENISRVLYP[Asn283=]DNFFEGKELR